The following is an entry in ClinVar:

NM_000492.4(CFTR):c.1160T>C (p.Leu387Ser)

Gene: CFTR (CF transmembrane conductance regulator; plus strand). Cytogenetic location: 7q31.2.
Variant type: single nucleotide variant.
Coding change: c.1160T>C on transcript NM_000492.4 (MANE Select); coding-DNA position 1160, T replaced by C.
Protein change: p.Leu387Ser; replaces leucine 387 with serine.
Molecular consequence: missense variant.
Genome position (GRCh38, 1-based): chr7:117,542,059, T>C. VCF-style: chr7-117542059-T-C. GRCh37 (hg19) VCF-style: chr7-117182113-T-C.
Other names: short protein forms L387S.
Identifiers: ClinVar variation 4227418 (VCV004227418.1).

ClinVar aggregate classification (germline): Uncertain significance (1 of 4 stars; one submission).

Conditions:
Cystic fibrosis (CF). Also called: MUCOVISCIDOSIS. Identifiers: Orphanet 586, MedGen C0010674, MONDO:0009061, OMIM 219700. Disease mechanism: loss of function.

Submission:

Ambry Genetics
Classification: Uncertain significance for Cystic fibrosis. Last evaluated: 2025-07-28. Review status: criteria provided, single submitter. Criteria: Ambry Variant Classification Scheme 2023. Collection method: clinical testing. Allele origin: germline.
Comment: The p.L387S variant (also known as c.1160T>C), located in coding exon 9 of the CFTR gene, results from a T to C substitution at nucleotide position 1160. The leucine at codon 387 is replaced by serine, an amino acid with dissimilar properties. This amino acid position is conserved. In addition, this alteration is predicted to be deleterious by in silico analysis. Based on the available evidence, the clinical significance of this variant remains unclear.